The following is an entry in ClinVar:

NM_001113378.2(FANCI):c.1987C>T (p.Pro663Ser)

Gene: FANCI (FA complementation group I; plus strand). Cytogenetic location: 15q26.1.
Variant type: single nucleotide variant.
Coding change: c.1987C>T on transcript NM_001113378.2 (MANE Select); coding-DNA position 1987, C replaced by T.
Protein change: p.Pro663Ser; replaces proline 663 with serine.
Molecular consequence: missense variant.
Genome position (GRCh38, 1-based): chr15:89,291,709, C>T. VCF-style: chr15-89291709-C-T. GRCh37 (hg19) VCF-style: chr15-89834940-C-T.
Other names: c.1708C>T, p.Pro570Ser (NM_001376910.1); c.1987C>T, p.Pro663Ser (NM_001376911.1, NM_018193.3); short protein forms P570S, P663S.
Identifiers: ClinVar variation 2173666 (VCV002173666.1), dbSNP rs2507357707, ClinGen allele CA393748828.

ClinVar aggregate classification (germline): Uncertain significance (1 of 4 stars; one submission).

Conditions:
Fanconi anemia (FA). Also called: Fanconi's anemia. Identifiers: Orphanet 84, MedGen C0015625, MeSH D005199, MONDO:0019391.

Submission:

Labcorp Genetics (formerly Invitae), Labcorp
Classification: Uncertain significance for Fanconi anemia. Last evaluated: 2022-05-21. Review status: criteria provided, single submitter. Criteria: Invitae Variant Classification Sherloc (09022015). Collection method: clinical testing. Allele origin: germline.
Comment: This sequence change replaces proline, which is neutral and non-polar, with serine, which is neutral and polar, at codon 663 of the FANCI protein (p.Pro663Ser). This variant is not present in population databases (gnomAD no frequency). This variant has not been reported in the literature in individuals affected with FANCI-related conditions. Algorithms developed to predict the effect of missense changes on protein structure and function are either unavailable or do not agree on the potential impact of this missense change (SIFT: "Tolerated"; PolyPhen-2: "Probably Damaging"; Align-GVGD: "Class C0"). In summary, the available evidence is currently insufficient to determine the role of this variant in disease. Therefore, it has been classified as a Variant of Uncertain Significance.